The following is an entry in ClinVar:

ClinVar aggregate classification (germline): Benign/Likely benign. Review status: criteria provided, multiple submitters, no conflicts (2 of 4 stars). 16 submissions from 15 submitters: Benign (5); Likely benign (5). 6 of the submissions do not count toward it. Last evaluated 2026-01-25.

Conditions:
Cardiovascular phenotype. Identifiers: MedGen CN230736.
Cardiomyopathy (CMYO). Also called: Cardiomyopathies. Identifiers: Orphanet 167848, MedGen C0878544, MONDO:0004994, HP:0001638. Inheritance: Various modes of inheritance.
Hypertrophic cardiomyopathy 1 (CMH1). Also called: Familial hypertrophic cardiomyopathy 1; MYH7-Related Familial Hypertrophic Cardiomyopathy. Identifiers: MedGen C3495498, MONDO:0008647, OMIM 192600.
Primary familial hypertrophic cardiomyopathy (HCM). Identifiers: Orphanet 99739, MedGen C0949658, MeSH D024741, MONDO:0024573. Inheritance: Various modes of inheritance.
Hypertrophic cardiomyopathy 4. Also called: Familial hypertrophic cardiomyopathy 4. Identifiers: MedGen C1861862, MONDO:0007268, OMIM 115197.
Primary dilated cardiomyopathy (DCM). Also called: Dilated Cardiomyopathy. Identifiers: Orphanet 217604, MedGen C0007193, MeSH D002311, MONDO:0005021, HP:0001644. Inheritance: Various modes of inheritance.
Hypertrophic cardiomyopathy. Also called: HYPERTROPHIC MYOCARDIOPATHY. Identifiers: Orphanet 217569, MedGen C0007194, MeSH D002312, MONDO:0005045, HP:0001639.

Allele frequency attached by ClinVar (database versions not stated): TOPMed 0.00008; 1000 Genomes Project 0.00040; 1000 Genomes Project 30x 0.00047; gnomAD 0.00101 and 0.00106; gnomAD exomes 0.00113; ExAC 0.00130.
gnomAD v4.1: 851 of 1,608,202 alleles (0.053%); highest among the groups gnomAD compares: Non-Finnish European, 0.01%; 4 homozygotes.

Submissions (16):

Labcorp Genetics (formerly Invitae), Labcorp
Classification: Benign for Hypertrophic cardiomyopathy. Last evaluated: 2026-01-25. Review status: criteria provided, single submitter. Criteria: Invitae Variant Classification Sherloc (09022015). Collection method: clinical testing. Allele origin: germline.

Women's Health and Genetics/Laboratory Corporation of America, LabCorp
Classification: Likely benign. Last evaluated: 2025-11-24. Review status: criteria provided, single submitter. Criteria: LabCorp Variant Classification Summary - May 2015. Collection method: clinical testing. Allele origin: germline.
Comment: Variant summary: MYBPC3 c.3413G>A (p.Arg1138His) results in a non-conservative amino acid change in the encoded protein sequence. Algorithms developed to predict the effect of missense changes on protein structure and function all suggest that this variant is likely to be disruptive. The variant allele was found at a frequency of 0.0011 in 237448 control chromosomes in the gnomAD database, including 2 homozygotes. The observed variant frequency exceeds the estimated maximal expected allele frequency for disease-causing variants in MYBPC3. c.3413G>A has been observed in individual(s) affected with Hypertrophic Cardiomyopathy without strong evidence for causality (Jaaskelainen_2002, Garcio-Castro_2009). These data do not allow any conclusion about variant significance. To our knowledge, no experimental evidence demonstrating an impact on protein function has been reported. The following publications have been ascertained in the context of this evaluation (PMID: 12110947, 19150014). ClinVar contains an entry for this variant (Variation ID: 177689). Based on the evidence outlined above, the variant was classified as likely benign.

CHEO Genetics Diagnostic Laboratory, Children's Hospital of Eastern Ontario
Classification: Likely benign for Cardiomyopathy. Last evaluated: 2023-01-13. Review status: criteria provided, single submitter. Criteria: ACMG Guidelines, 2015. Collection method: clinical testing. Allele origin: germline.

Ambry Genetics
Classification: Benign for Cardiovascular phenotype. Last evaluated: 2019-06-01. Review status: criteria provided, single submitter. Criteria: Ambry Variant Classification Scheme 2023. Collection method: clinical testing. Allele origin: germline.

Mendelics
Classification: Benign for Hypertrophic cardiomyopathy 4. Last evaluated: 2019-05-28. Review status: criteria provided, single submitter. Criteria: Mendelics Assertion Criteria 2017. Collection method: clinical testing. Allele origin: unknown.

Color Diagnostics, LLC DBA Color Health
Classification: Benign for Cardiomyopathy. Last evaluated: 2018-11-13. Review status: criteria provided, single submitter. Criteria: ACMG Guidelines, 2015. Collection method: clinical testing. Allele origin: germline.

GeneDx
Classification: Benign. Last evaluated: 2018-08-01. Review status: criteria provided, single submitter. Criteria: GeneDx Variant Classification Process June 2021. Collection method: clinical testing. Allele origin: germline. Affected: yes.
Comment: This variant is associated with the following publications: (PMID: 26332594, 22763267, 19150014, 21310275, 12110947, 22765922, 20800588, 29032884, 31006259)

Center for Advanced Laboratory Medicine, UC San Diego Health, University of California San Diego
Classification: Likely benign for Cardiomyopathy. Last evaluated: 2017-12-06. Review status: criteria provided, single submitter. Criteria: ACMG Guidelines, 2015. Collection method: clinical testing. Allele origin: germline. Affected: yes. Observed: 1 variant allele.

Agnes Ginges Centre for Molecular Cardiology, Centenary Institute
Classification: Likely benign for Familial hypertrophic cardiomyopathy 1. Last evaluated: 2015-03-18. Review status: criteria provided, single submitter. Criteria: Agnes Ginges Centre for Molecular Cardiology criteria (2015). Collection method: research. Allele origin: germline. Inheritance: Autosomal dominant inheritance. Affected: yes.
Comment: The MYBPC3 Arg1138His variant has been previously reported in both the Exome Aggregation Consortium dataset at a frequency of 0.017 (72 of 4168 in the European Finnish population), and at a frequency of 0.002 in the European sub-population of the 1000 genomes project. No other variants were identified. The variant has been reported in the literature (Jääskeläinen P, et al., 2002; García-Castro M, et al., 2009; Golbus JR, et al., 2012). Jääskeläinen et al. (2002) sequenced MYBPC3 in a Finnish HCM population and normal cohort, and identified this Arg1138His variant in multiple families (3 unrelated probands and 5 normal control samples). The variant does not co-segregate with disease and homozygous individuals did not express the HCM phenotype. Arginine (Arg) at position 1138 is conserved across distantly related species, however the computational tool specifically designed to predict the effects of missense variants in HCM genes (Jordan DM, et al., 2011), cannot predict the outcome of this MYBPC3 Arg1138His variant. Due to the allele frequency of > 0.001 in population databases, and literature evidence, we classify this variant as "likely benign".

Molecular Diagnostic Laboratory for Inherited Cardiovascular Disease, Montreal Heart Institute
Classification: Likely benign. Review status: criteria provided, single submitter. Criteria: ACMG Guidelines, 2015. Collection method: clinical testing. Allele origin: germline. Affected: yes.

Blueprint Genetics
Classification: Likely benign for Primary familial hypertrophic cardiomyopathy. Last evaluated: 2014-03-25. Review status: no assertion criteria provided. Collection method: clinical testing. Allele origin: germline. Affected: yes. Observed: 1 variant allele. Not counted in ClinVar's aggregate classification.

Blueprint Genetics
Classification: Likely benign for Primary dilated cardiomyopathy. Last evaluated: 2014-03-25. Review status: no assertion criteria provided. Collection method: clinical testing. Allele origin: germline. Affected: yes. Observed: 1 variant allele. Not counted in ClinVar's aggregate classification.

Laboratory for Molecular Medicine, Mass General Brigham Personalized Medicine
Classification: Uncertain significance. Last evaluated: 2013-02-11. Review status: no assertion criteria provided. Collection method: clinical testing. Allele origin: germline. Observed: 1 variant allele. Not counted in ClinVar's aggregate classification.
Comment: proposed classification - variant undergoing re-assessment, contact laboratory

Diagnostic Laboratory, Department of Genetics, University Medical Center Groningen
Classification: Likely benign. Review status: no assertion criteria provided. Collection method: clinical testing. Allele origin: germline. Affected: yes. Study: VKGL Data-share Consensus. Not counted in ClinVar's aggregate classification.

Genome Diagnostics Laboratory, University Medical Center Utrecht
Classification: Likely benign. Review status: no assertion criteria provided. Collection method: clinical testing. Allele origin: germline. Affected: yes. Study: VKGL Data-share Consensus. Not counted in ClinVar's aggregate classification.

Zaffran Lab, Genetics of Cardiac Diseases Laboratory, Marseille Medical Genetics
Classification: Uncertain significance for hypertrophic cardiomyopathy. Review status: no assertion criteria provided. Collection method: research. Allele origin: unknown. Affected: yes. Not counted in ClinVar's aggregate classification.

Literature cited by the submitters: PubMed 12110947 (cited by 3 submitters); PubMed 19150014 (cited by 3 submitters); PubMed 22763267 (cited by Agnes Ginges Centre for Molecular Cardiology, Centenary Institute).

NM_000256.3(MYBPC3):c.3413G>A (p.Arg1138His)

Gene: MYBPC3 (myosin binding protein C3; minus strand). Cytogenetic location: 11p11.2.
Variant type: single nucleotide variant.
Coding change: c.3413G>A on transcript NM_000256.3 (MANE Select); coding-DNA position 3413, G replaced by A.
Protein change: p.Arg1138His; replaces arginine 1138 with histidine.
Molecular consequence: missense variant.
Genome position (GRCh38, 1-based): chr11:47,332,891, C>T on the plus strand (G>A on the coding strand, the complement: MYBPC3 is on the minus strand). VCF-style: chr11-47332891-C-T. GRCh37 (hg19) VCF-style: chr11-47354442-C-T.
Other names: p.R1138H:CGC>CAC; short protein forms R1138H.
Identifiers: ClinVar variation 177689 (VCV000177689.30), dbSNP rs187705120, ClinGen allele CA014117.